The following is an entry in ClinVar:

ClinVar aggregate classification (germline): Uncertain significance (1 of 4 stars; one submission).

Conditions:
Catecholaminergic polymorphic ventricular tachycardia 1. Also called: VENTRICULAR TACHYCARDIA, CATECHOLAMINERGIC POLYMORPHIC, 1, WITH OR WITHOUT ATRIAL DYSFUNCTION AND/OR DILATED CARDIOMYOPATHY; RYR2-Related Catecholaminergic Polymorphic Ventricular Tachycardia; VENTRICULAR TACHYCARDIA, STRESS-INDUCED POLYMORPHIC 1. Identifiers: Orphanet 3286, MedGen C1631597, MONDO:0011484, OMIM 604772.

Submission:

Labcorp Genetics (formerly Invitae), Labcorp
Classification: Uncertain significance for Catecholaminergic polymorphic ventricular tachycardia 1. Last evaluated: 2025-12-17. Review status: criteria provided, single submitter. Criteria: Invitae Variant Classification Sherloc (09022015). Collection method: clinical testing. Allele origin: germline.
Comment: This sequence change replaces isoleucine, which is neutral and non-polar, with valine, which is neutral and non-polar, at codon 1560 of the RYR2 protein (p.Ile1560Val). This variant is not present in population databases (gnomAD no frequency). This variant has not been reported in the literature in individuals affected with RYR2-related conditions. ClinVar contains an entry for this variant (Variation ID: 2740461). Invitae Evidence Modeling of protein sequence and biophysical properties (such as structural, functional, and spatial information, amino acid conservation, physicochemical variation, residue mobility, and thermodynamic stability) indicates that this missense variant is not expected to disrupt RYR2 protein function with a negative predictive value of 95%. In summary, the available evidence is currently insufficient to determine the role of this variant in disease. Therefore, it has been classified as a Variant of Uncertain Significance.

NM_001035.3(RYR2):c.4678A>G (p.Ile1560Val)

Gene: RYR2 (ryanodine receptor 2; plus strand). Cytogenetic location: 1q43.
Variant type: single nucleotide variant.
Coding change: c.4678A>G on transcript NM_001035.3 (MANE Select); coding-DNA position 4678, A replaced by G.
Protein change: p.Ile1560Val; replaces isoleucine 1560 with valine.
Molecular consequence: missense variant.
Genome position (GRCh38, 1-based): chr1:237,602,106, A>G. VCF-style: chr1-237602106-A-G. GRCh37 (hg19) VCF-style: chr1-237765406-A-G.
Other names: short protein forms I1560V.
Identifiers: ClinVar variation 2740461 (VCV002740461.3), dbSNP rs2546697864, ClinGen allele CA345401699.
Genomic context (GRCh38, chr1:237,602,106, plus strand): 5'-TTTCCTGCGGTTTTTGCACAAGCTACAAGTCCCAATGTTTTCCAGTTTGAGTTGGGAAGA[A>G]TAAAGGTAATAAAACTTATTCCTGGTATTGTATTTGTATTTTTTCTATTAGGATATAGCA-3'
Protein context (NP_001026.2, residues 1550-1570): PNVFQFELGR[Ile1560Val]KNVMPLSAGL